The following is an entry in ClinVar:

ClinVar aggregate classification (germline): Uncertain significance. Review status: criteria provided, multiple submitters, no conflicts (2 of 4 stars). 2 submissions from 2 submitters: Uncertain significance (2). Last evaluated 2022-12-15.

Submissions (2):

Quest Diagnostics Nichols Institute San Juan Capistrano
Classification: Uncertain significance. Last evaluated: 2022-12-15. Review status: criteria provided, single submitter. Criteria: Quest Diagnostics criteria. Collection method: clinical testing. Allele origin: unknown.
Comment: To the best of our knowledge, the variant has not been reported in the published literature. It also has not been reported in large, multi-ethnic general populations. Based on the available information, we are unable to determine the clinical significance of this variant.

Women's Health and Genetics/Laboratory Corporation of America, LabCorp
Classification: Uncertain significance. Last evaluated: 2016-09-19. Review status: criteria provided, single submitter. Criteria: LabCorp Variant Classification Summary - May 2015. Collection method: clinical testing. Allele origin: germline.

NM_000518.4(HBB):c.-122T>G

Genes: HBB (hemoglobin subunit beta; minus strand), LOC107133510 (origin of replication at HBB; plus strand), LOC106099062 (HBB recombination region; plus strand). Cytogenetic location: 11p15.4.
Variant type: single nucleotide variant.
Coding change: c.-122T>G on transcript NM_000518.4; 122 bases upstream of the start codon, T replaced by G.
Genome position (GRCh38, 1-based): chr11:5,227,143, A>C on the plus strand (T>G on the coding strand, the complement: HBB is on the minus strand). VCF-style: chr11-5227143-A-C. GRCh37 (hg19) VCF-style: chr11-5248373-A-C.
Identifiers: ClinVar variation 439133 (VCV000439133.4), dbSNP rs1272414751, ClinGen allele CA645509066.